The following is an entry in ClinVar:

NM_016156.6(MTMR2):c.1856C>G (p.Ser619Cys)

Gene: MTMR2 (myotubularin related protein 2; minus strand). Cytogenetic location: 11q21.
Variant type: single nucleotide variant.
Coding change: c.1856C>G on transcript NM_016156.6 (MANE Select); coding-DNA position 1856, C replaced by G.
Protein change: p.Ser619Cys; replaces serine 619 with cysteine.
Molecular consequence: missense variant.
Genome position (GRCh38, 1-based): chr11:95,835,366, G>C on the plus strand (C>G on the coding strand, the complement: MTMR2 is on the minus strand). VCF-style: chr11-95835366-G-C. GRCh37 (hg19) VCF-style: chr11-95568530-G-C.
Other names: c.1640C>G, p.Ser547Cys (NM_001243571.2, NM_201278.3, NM_201281.3); short protein forms S547C, S619C.
Identifiers: ClinVar variation 1983556 (VCV001983556.5), dbSNP rs2496389754, ClinGen allele CA382412603.

ClinVar aggregate classification (germline): Uncertain significance. Review status: criteria provided, multiple submitters, no conflicts (2 of 4 stars). 2 submissions from 2 submitters: Uncertain significance (2). Last evaluated 2022-12-14.

Conditions:
Charcot-Marie-Tooth disease type 4. Also called: Charcot-Marie-Tooth, Type 4; Charcot-Marie-Tooth disease, type IV. Identifiers: Orphanet 64749, MedGen C4082197, MONDO:0018995.
Inborn genetic diseases. Identifiers: MedGen C0950123, MeSH D030342.

Allele frequency attached by ClinVar (database versions not stated): gnomAD exomes below 0.00001.
gnomAD v4.1: 4 of 1,613,180 alleles (0.00025%); highest among the groups gnomAD compares: Non-Finnish European, 0.00034%; no homozygotes.

Submissions (2):

Ambry Genetics
Classification: Uncertain significance for Inborn genetic diseases. Last evaluated: 2022-12-14. Review status: criteria provided, single submitter. Criteria: Ambry Variant Classification Scheme 2023. Collection method: clinical testing. Allele origin: germline.

Labcorp Genetics (formerly Invitae), Labcorp
Classification: Uncertain significance for Charcot-Marie-Tooth disease type 4. Last evaluated: 2022-06-26. Review status: criteria provided, single submitter. Criteria: Invitae Variant Classification Sherloc (09022015). Collection method: clinical testing. Allele origin: germline.
Comment: This sequence change replaces serine, which is neutral and polar, with cysteine, which is neutral and slightly polar, at codon 619 of the MTMR2 protein (p.Ser619Cys). This variant is not present in population databases (gnomAD no frequency). This variant has not been reported in the literature in individuals affected with MTMR2-related conditions. Advanced modeling of protein sequence and biophysical properties (such as structural, functional, and spatial information, amino acid conservation, physicochemical variation, residue mobility, and thermodynamic stability) performed at Invitae indicates that this missense variant is not expected to disrupt MTMR2 protein function. In summary, the available evidence is currently insufficient to determine the role of this variant in disease. Therefore, it has been classified as a Variant of Uncertain Significance.